The following is an entry in ClinVar:

NM_000283.4(PDE6B):c.86C>G (p.Pro29Arg)

Gene: PDE6B (phosphodiesterase 6B; plus strand). Cytogenetic location: 4p16.3.
Variant type: single nucleotide variant.
Coding change: c.86C>G on transcript NM_000283.4 (MANE Select); coding-DNA position 86, C replaced by G.
Protein change: p.Pro29Arg; replaces proline 29 with arginine.
Molecular consequence: missense variant.
Genome position (GRCh38, 1-based): chr4:625,712, C>G. VCF-style: chr4-625712-C-G. GRCh37 (hg19) VCF-style: chr4-619501-C-G.
Other names: c.86C>G, p.Pro29Arg (NM_001145291.2); short protein forms P29R.
Identifiers: ClinVar variation 2995279 (VCV002995279.4), dbSNP rs749166835, ClinGen allele CA2793838.

ClinVar aggregate classification (germline): Uncertain significance. Review status: criteria provided, multiple submitters, no conflicts (2 of 4 stars). 2 submissions from 2 submitters: Uncertain significance (2). Last evaluated 2025-02-28.

Allele frequency attached by ClinVar (database versions not stated): TOPMed below 0.00001; ExAC 0.00001; gnomAD 0.00001; gnomAD exomes 0.00001.
gnomAD v4.1: 16 of 1,613,734 alleles (0.00099%); highest among the groups gnomAD compares: Non-Finnish European, 0.0013%; no homozygotes.

Submissions (2):

Labcorp Genetics (formerly Invitae), Labcorp
Classification: Uncertain significance. Last evaluated: 2025-02-28. Review status: criteria provided, single submitter. Criteria: Invitae Variant Classification Sherloc (09022015). Collection method: clinical testing. Allele origin: germline.
Comment: This sequence change replaces proline, which is neutral and non-polar, with arginine, which is basic and polar, at codon 29 of the PDE6B protein (p.Pro29Arg). This variant is present in population databases (rs749166835, gnomAD 0.002%). This variant has not been reported in the literature in individuals affected with PDE6B-related conditions. ClinVar contains an entry for this variant (Variation ID: 2995279). Invitae Evidence Modeling of protein sequence and biophysical properties (such as structural, functional, and spatial information, amino acid conservation, physicochemical variation, residue mobility, and thermodynamic stability) has been performed for this missense variant. However, the output from this modeling did not meet the statistical confidence thresholds required to predict the impact of this variant on PDE6B protein function. In summary, the available evidence is currently insufficient to determine the role of this variant in disease. Therefore, it has been classified as a Variant of Uncertain Significance.

Blueprint Genetics
Classification: Uncertain significance. Last evaluated: 2021-11-24. Review status: criteria provided, single submitter. Criteria: ACMG Guidelines, 2015. Collection method: clinical testing. Allele origin: germline.